The following is an entry in ClinVar:

ClinVar aggregate classification (germline): Pathogenic. Review status: criteria provided, multiple submitters, no conflicts (2 of 4 stars). 2 submissions from 2 submitters: Pathogenic (2). Last evaluated 2023-08-30.

Conditions:
Multiple acyl-CoA dehydrogenase deficiency (MADD). Also called: ETHYLMALONIC-ADIPICACIDURIA; GA II; Glutaric aciduria, type 2; Glutaric acidemia type II; GA 2; Glutaric Acidemia type 2. Identifiers: Orphanet 26791, MedGen C0268596, MONDO:0009282, OMIM 231680.

Allele frequency attached by ClinVar (database versions not stated): TOPMed below 0.00001; gnomAD 0.00001; gnomAD exomes 0.00001.
gnomAD v4.1: 4 of 1,613,350 alleles (0.00025%); highest among the groups gnomAD compares: Non-Finnish European, 0.00034%; no homozygotes.

Submissions (2):

Baylor Genetics
Classification: Pathogenic for Multiple acyl-CoA dehydrogenase deficiency. Last evaluated: 2023-08-30. Review status: criteria provided, single submitter. Criteria: ACMG Guidelines, 2015. Collection method: clinical testing. Allele origin: unknown.

GeneDx
Classification: Pathogenic. Last evaluated: 2014-05-06. Review status: criteria provided, single submitter. Criteria: GeneDx Variant Classification (06012015). Collection method: clinical testing. Allele origin: germline. Affected: yes.
Comment: p.Trp603Stop (TGG>TGA): c.1809 G>A in exon 13 of the ETFDH gene (NM_004453.2) The W603X nonsense mutation in the ETFDH gene has been reported previously in association with glutaric aciduria type II. This mutation is predicted to cause loss of normal protein function through protein truncation. The variant is found in MITONUC-MITOP panel(s).

NM_004453.4(ETFDH):c.1809G>A (p.Trp603Ter)

Gene: ETFDH (electron transfer flavoprotein dehydrogenase; plus strand). Cytogenetic location: 4q32.1.
Variant type: single nucleotide variant.
Coding change: c.1809G>A on transcript NM_004453.4 (MANE Select); coding-DNA position 1809, G replaced by A.
Protein change: p.Trp603Ter; replaces tryptophan 603 with a stop codon.
Molecular consequence: nonsense.
Genome position (GRCh38, 1-based): chr4:158,708,482, G>A. VCF-style: chr4-158708482-G-A. GRCh37 (hg19) VCF-style: chr4-159629634-G-A.
Other names: p.W603*:TGG>TGA; c.1668G>A, p.Trp556Ter (NM_001281737.2); c.1626G>A, p.Trp542Ter (NM_001281738.1); short protein forms W603*, W542*, W556*.
Identifiers: ClinVar variation 203724 (VCV000203724.3), dbSNP rs796051960, ClinGen allele CA312547.